The following is an entry in ClinVar:

ClinVar aggregate classification (germline): Benign. Review status: criteria provided, multiple submitters, no conflicts (2 of 4 stars). 3 submissions from 3 submitters: Benign (3). Last evaluated 2026-02-01.

Allele frequency attached by ClinVar (database versions not stated): TOPMed 0.01285; ESP Exome Variant Server 0.01369; ExAC 0.00367; gnomAD 0.01193 and 0.01269; 1000 Genomes Project 0.01198; 1000 Genomes Project 30x 0.01202.
gnomAD v4.1: 3,450 of 1,614,092 alleles (0.21%); highest among the groups gnomAD compares: African/African-American, 4.1%; 61 homozygotes.

Submissions (3):

Labcorp Genetics (formerly Invitae), Labcorp
Classification: Benign. Last evaluated: 2026-02-01. Review status: criteria provided, single submitter. Criteria: Invitae Variant Classification Sherloc (09022015). Collection method: clinical testing. Allele origin: germline.

Mayo Clinic Laboratories, Mayo Clinic
Classification: Benign. Last evaluated: 2024-10-11. Review status: criteria provided, single submitter. Criteria: ACMG Guidelines, 2015. Collection method: clinical testing. Allele origin: germline. Observed: 4 variant alleles.
Comment: BS1, BS2, BP4, BP7

Breakthrough Genomics
Classification: Benign. Review status: criteria provided, single submitter. Criteria: ACMG Guidelines, 2015. Collection method: not provided. Allele origin: germline. Inheritance: Autosomal recessive inheritance. Affected: yes.

NM_014994.3(MAPKBP1):c.1525C>T (p.Leu509=)

Gene: MAPKBP1 (mitogen-activated protein kinase binding protein 1; plus strand). Cytogenetic location: 15q15.1.
Variant type: single nucleotide variant.
Coding change: c.1525C>T on transcript NM_014994.3 (MANE Select); coding-DNA position 1525, C replaced by T.
Protein change: p.Leu509=; no amino-acid change (leucine 509 retained).
Molecular consequence: synonymous variant. On other transcripts: non-coding transcript variant (2).
Genome position (GRCh38, 1-based): chr15:41,816,590, C>T. VCF-style: chr15-41816590-C-T. GRCh37 (hg19) VCF-style: chr15-42108788-C-T.
Other names: p.Leu515=; c.1543C>T, p.Leu515= (NM_001128608.2); c.1525C>T, p.Leu509= (NM_001265611.2).
Identifiers: ClinVar variation 725845 (VCV000725845.12), dbSNP rs79573365, ClinGen allele CA7497853.